The following is an entry in ClinVar:

ClinVar aggregate classification (germline): Uncertain significance (1 of 4 stars; one submission).

Submission:

GeneDx
Classification: Uncertain significance. Last evaluated: 2025-06-30. Review status: criteria provided, single submitter. Criteria: GeneDx Variant Classification Process June 2021. Collection method: clinical testing. Allele origin: germline. Affected: yes.
Comment: In silico analysis supports a deleterious effect on splicing; Has not been previously published as pathogenic or benign to our knowledge; Located in a regulatory region; in the absence of functional studies, the actual effect of this sequence change is unknown

NM_183235.3(RAB27A):c.-23+1G>A

Gene: RAB27A (RAB27A, member RAS oncogene family; minus strand). Cytogenetic location: 15q21.3.
Variant type: single nucleotide variant.
Coding change: c.-23+1G>A on transcript NM_183235.3 (MANE Select); the canonical splice donor site of the intron after 23 bases upstream of the start codon, G replaced by A.
Molecular consequence: splice donor variant. On other transcripts: intron variant (1).
Genome position (GRCh38, 1-based): chr15:55,270,164, C>T on the plus strand (G>A on the coding strand, the complement: RAB27A is on the minus strand). VCF-style: chr15-55270164-C-T. GRCh37 (hg19) VCF-style: chr15-55562362-C-T.
Other names: c.-23+1G>A (NM_001438972.1, NM_183236.3, NM_001438979.1 and 2 more transcripts); c.-112+1G>A (NM_001438978.1, NM_183234.3, NM_001438970.1 and 1 more transcripts); c.-126+1G>A (NM_001438974.1); c.-23+19552G>A (NM_001438977.1); c.-239+1G>A (NM_001438976.1).
Identifiers: ClinVar variation 4681037 (VCV004681037.1).